The following is an entry in ClinVar:

ClinVar aggregate classification (germline): Pathogenic. Review status: criteria provided, multiple submitters, no conflicts (2 of 4 stars). 2 submissions from 2 submitters: Pathogenic (2). Last evaluated 2024-01-10.

Conditions:
Juvenile polyposis syndrome (JPS). Identifiers: Orphanet 2929, MedGen C0345893, MONDO:0017380, OMIM 174900.
Hereditary cancer-predisposing syndrome. Also called: Hereditary neoplastic syndrome; Neoplastic Syndromes, Hereditary; Tumor predisposition; Hereditary Cancer Syndrome. Identifiers: Orphanet 140162, MedGen C0027672, MeSH D009386, MONDO:0015356.

Submissions (2):

Ambry Genetics
Classification: Pathogenic for Hereditary cancer-predisposing syndrome. Last evaluated: 2024-01-10. Review status: criteria provided, single submitter. Criteria: Ambry Variant Classification Scheme 2023. Collection method: clinical testing. Allele origin: germline.
Comment: The c.1061delG pathogenic mutation, located in coding exon 8 of the BMPR1A gene, results from a deletion of one nucleotide at nucleotide position 1061, causing a translational frameshift with a predicted alternate stop codon (p.G354Efs*10). This variant is considered to be rare based on population cohorts in the Genome Aggregation Database (gnomAD). This alteration has been reported in multiple patients with juvenile polyposis syndrome (Sayed MG et al. Ann. Surg. Oncol., 2002 Nov;9:901-6; van Hattem WA et al. Gut, 2008 May;57:623-7; Calva-Cerqueira D et al. Clin. Genet., 2009 Jan;75:79-85). In addition to the clinical data presented in the literature, this alteration is expected to result in loss of function by premature protein truncation or nonsense-mediated mRNA decay. As such, this alteration is interpreted as a disease-causing mutation.

Myriad Genetics, Inc.
Classification: Pathogenic for Juvenile polyposis syndrome. Last evaluated: 2023-11-14. Review status: criteria provided, single submitter. Criteria: Myriad Autosomal Dominant, Autosomal Recessive and X-Linked Classification Criteria (2023). Collection method: clinical testing. Allele origin: unknown.
Comment: This variant is considered pathogenic. This variant creates a frameshift predicted to result in premature protein truncation.

Literature cited by the submitters: PubMed 12417513 (cited by Ambry Genetics); PubMed 18178612 (cited by Ambry Genetics); PubMed 18823382 (cited by Ambry Genetics).

NM_004329.3(BMPR1A):c.1061del (p.Gly354fs)

Gene: BMPR1A (bone morphogenetic protein receptor type 1A; plus strand). Cytogenetic location: 10q23.2.
Variant type: Deletion.
Coding change: c.1061del on transcript NM_004329.3 (MANE Select); coding-DNA position 1061, one base deleted (G; older notation c.1061delG).
Protein change: p.Gly354fs; shifts the reading frame from glycine 354.
Molecular consequence: frameshift variant.
Genome position (GRCh38, 1-based): chr10:86,919,364, G deleted; the last of 2 consecutive G bases (chr10:86,919,363-86,919,364); deleting either gives the same sequence. VCF-style (leftmost placement, unchanged base first): chr10-86919362-AG-A. GRCh37 (hg19) VCF-style: chr10-88679119-AG-A.
Other names: c.1061delG (NM_004329.2); short protein forms G354fs.
Identifiers: ClinVar variation 482862 (VCV000482862.6), dbSNP rs1554891089, ClinGen allele CA658657989.